The following is an entry in ClinVar:

ClinVar aggregate classification (germline): Uncertain significance. Review status: criteria provided, single submitter (1 of 4 stars). 2 submissions from 2 submitters: Uncertain significance (1). 1 of the submissions does not count toward it. Last evaluated 2024-12-01.

Conditions:
VPS13A-related neurodegenerative disease. Also called: LEVINE-CRITCHLEY SYNDROME; Choreoacanthocytosis; Chorea-acanthocytosis; ACANTHOCYTOSIS WITH NEUROLOGIC DISORDER; VPS13A Disease; Choreaacanthocytosis. Identifiers: Orphanet 2388, MedGen C0393576, MONDO:0008695, OMIM 200150.

Submissions (2):

CeGaT Center for Human Genetics Tuebingen
Classification: Uncertain significance. Last evaluated: 2024-12-01. Review status: criteria provided, single submitter. Criteria: CeGaT Center For Human Genetics Tuebingen Variant Classification Criteria Version 2. Collection method: clinical testing. Allele origin: germline. Affected: yes. Observed: 1 variant allele.
Comment: VPS13A: PM2, BP4

Natera, Inc.
Classification: Uncertain significance for Choreaacanthocytosis. Last evaluated: 2025-02-26. Review status: no assertion criteria provided. Collection method: clinical testing. Allele origin: germline. Not counted in ClinVar's aggregate classification.

NM_033305.3(VPS13A):c.3419C>T (p.Thr1140Ile)

Gene: VPS13A (vacuolar protein sorting 13 homolog A; plus strand). Cytogenetic location: 9q21.2.
Variant type: single nucleotide variant.
Coding change: c.3419C>T on transcript NM_033305.3 (MANE Select); coding-DNA position 3419, C replaced by T.
Protein change: p.Thr1140Ile; replaces threonine 1140 with isoleucine.
Molecular consequence: missense variant.
Genome position (GRCh38, 1-based): chr9:77,293,420, C>T. VCF-style: chr9-77293420-C-T. GRCh37 (hg19) VCF-style: chr9-79908336-C-T.
Other names: c.3302C>T, p.Thr1101Ile (NM_001018037.2); c.3419C>T, p.Thr1140Ile (NM_001018038.3, NM_015186.4); c.3419C>T (NM_033305.2); short protein forms T1101I, T1140I.
Identifiers: ClinVar variation 3772019 (VCV003772019.14).